The following is an entry in ClinVar:

NM_133259.4(LRPPRC):c.149+1G>T

Gene: LRPPRC (leucine rich pentatricopeptide repeat containing; minus strand). Cytogenetic location: 2p21.
Variant type: single nucleotide variant.
Coding change: c.149+1G>T on transcript NM_133259.4 (MANE Select); the canonical splice donor site of the intron after coding-DNA position 149, G replaced by T.
Molecular consequence: splice donor variant.
Genome position (GRCh38, 1-based): chr2:43,995,798, C>A on the plus strand (G>T on the coding strand, the complement: LRPPRC is on the minus strand). VCF-style: chr2-43995798-C-A. GRCh37 (hg19) VCF-style: chr2-44222937-C-A.
Identifiers: ClinVar variation 1722473 (VCV001722473.1), dbSNP rs2465900165, ClinGen allele CA346678931.

ClinVar aggregate classification (germline): Likely pathogenic (1 of 4 stars; one submission).

Conditions:
Congenital lactic acidosis, Saguenay-Lac-Saint-Jean type (MC4DN5). Also called: MITOCHONDRIAL COMPLEX IV DEFICIENCY, NUCLEAR TYPE 5; CYTOCHROME c OXIDASE DEFICIENCY, FRENCH CANADIAN TYPE; COX DEFICIENCY, FRENCH CANADIAN TYPE. Identifiers: Orphanet 70472, MedGen C1857355, MONDO:0009069, OMIM 220111.

Submission:

Women's Health and Genetics/Laboratory Corporation of America, LabCorp
Classification: Likely pathogenic for Congenital lactic acidosis, Saguenay-Lac-Saint-Jean type. Last evaluated: 2022-09-08. Review status: criteria provided, single submitter. Criteria: LabCorp Variant Classification Summary - May 2015. Collection method: clinical testing. Allele origin: germline.
Comment: Variant summary: LRPPRC c.149+1G>T is located in a canonical splice-site and is predicted to affect mRNA splicing resulting in a significantly altered protein due to either exon skipping, shortening, or inclusion of intronic material. Several computational tools predict a significant impact on normal splicing: Four predict the variant abolishes the canonical 5' splicing donor site. However, these predictions have yet to be confirmed by functional studies. The variant was absent in 39064 control chromosomes. To our knowledge, no occurrence of c.149+1G>T in individuals affected with Leigh Syndrome, French-Canadian Type and no experimental evidence demonstrating its impact on protein function have been reported. No clinical diagnostic laboratories have submitted clinical-significance assessments for this variant to ClinVar after 2014. Based on the evidence outlined above, the variant was classified as likely pathogenic.